The following is an entry in ClinVar:

NM_001020658.2(PUM1):c.2540G>A (p.Arg847Gln)

Gene: PUM1 (pumilio RNA binding family member 1; minus strand). Cytogenetic location: 1p35.2.
Variant type: single nucleotide variant.
Coding change: c.2540G>A on transcript NM_001020658.2 (MANE Select); coding-DNA position 2540, G replaced by A.
Protein change: p.Arg847Gln; replaces arginine 847 with glutamine.
Molecular consequence: missense variant.
Genome position (GRCh38, 1-based): chr1:30,953,765, C>T on the plus strand (G>A on the coding strand, the complement: PUM1 is on the minus strand). VCF-style: chr1-30953765-C-T. GRCh37 (hg19) VCF-style: chr1-31426612-C-T.
Other names: c.2540G>A, p.Arg847Gln (NM_014676.3); short protein forms R847Q.
Identifiers: ClinVar variation 1311353 (VCV001311353.5), dbSNP rs772303807, ClinGen allele CA728942.
Genomic context (GRCh38, chr1:30,953,765, plus strand): 5'-AGTACTCACCTGGACCCATGCTGGTCTTGGGAAAATTCCATTATATGTCCAGCAATCTCC[C>T]GCAGTTGTAAATTGGGGTACCGGTTGTTTCGAAAATCTTCCAAAAGCCTGCTCCTGCCAG-3'
Protein context (NP_001018494.1, residues 837-857): RNNRYPNLQL[Arg847Gln]EIAGHIMEFS

ClinVar aggregate classification (germline): Uncertain significance. Review status: criteria provided, multiple submitters, no conflicts (2 of 4 stars). 3 submissions from 3 submitters: Uncertain significance (3). Last evaluated 2025-04-08.

Conditions:
Inborn genetic diseases. Identifiers: MedGen C0950123, MeSH D030342.

Allele frequency attached by ClinVar (database versions not stated): gnomAD exomes below 0.00001 and 0.00001; ExAC 0.00001; gnomAD 0.00001; TOPMed 0.00001.
gnomAD v4.1: 6 of 1,614,066 alleles (0.00037%); highest among the groups gnomAD compares: African/African-American, 0.0013%; no homozygotes.

Submissions (3):

Ambry Genetics
Classification: Uncertain significance for Inborn genetic diseases. Last evaluated: 2025-04-08. Review status: criteria provided, single submitter. Criteria: Ambry Variant Classification Scheme 2023. Collection method: clinical testing. Allele origin: germline.

GeneDx
Classification: Uncertain significance. Last evaluated: 2024-07-17. Review status: criteria provided, single submitter. Criteria: GeneDx Variant Classification Process June 2021. Collection method: clinical testing. Allele origin: germline. Affected: yes.
Comment: In silico analysis supports that this missense variant has a deleterious effect on protein structure/function; Has not been previously published as pathogenic or benign to our knowledge

Blueprint Genetics
Classification: Uncertain significance. Last evaluated: 2022-06-15. Review status: criteria provided, single submitter. Criteria: ACMG Guidelines, 2015. Collection method: clinical testing. Allele origin: germline.